The following is an entry in ClinVar:

ClinVar aggregate classification (germline): Likely benign (0 of 4 stars; one submission).

Conditions:
Polycystic kidney disease. Also called: Polycystic kidney dysplasia; Kidney, Polycystic. Identifiers: MedGen C0022680, MeSH D007690, MONDO:0020642, HP:0000113.

Allele frequency attached by ClinVar (database versions not stated): ExAC 0.00001; gnomAD 0.00001; gnomAD exomes 0.00001; TOPMed 0.00002.
gnomAD v4.1: 21 of 1,609,758 alleles (0.0013%); highest among the groups gnomAD compares: Middle Eastern, 0.042%; no homozygotes.

Submission:

Department of Pathology and Laboratory Medicine, Sinai Health System
Classification: Likely benign for Polycystic Kidney disease. Review status: no assertion criteria provided. Collection method: clinical testing. Allele origin: unknown. Affected: yes. Study: The Canadian Open Genetics Repository (COGR).
Comment: The PKD1 p.Ala2065= variant was not identified in the literature nor was it identified in the ClinVar, COGR, LOVD 3.0, ADPKD Mutation Database, or PKD1-LOVD. The variant was identified in dbSNP (ID: rs770590637), and in control databases in 3 of 239522 chromosomes at a frequency of 0.00001 (Genome Aggregation Database Feb 27, 2017). It was identified in the following databases: African in 1 of 14450 chromosomes (freq: 0.00007) and European Non-Finnish in 2 of 107436 chromosomes (freq: 0.00002); it was not observed in the Other, Latino, Ashkenazi Jewish, East Asian, European Finnish, and South Asian populations. The p.Ala2065= variant is not expected to have clinical significance because it does not result in a change of amino acid and is not located in a known consensus splice site. The variant occurs outside of the splicing consensus sequence and 2 of 5 in silico or computational prediction software programs (SpliceSiteFinder, MaxEntScan, NNSPLICE, GeneSplicer, HumanSpliceFinder) predict a greater than 10% difference in splicing; this is not very predictive of pathogenicity. In summary, based on the above information the clinical significance of this variant cannot be determined with certainty at this time although we would lean towards a more benign role for this variant. This variant is classified as likely benign.

NM_001009944.3(PKD1):c.6195C>T (p.Ala2065=)

Gene: PKD1 (polycystin 1, transient receptor potential channel interacting; minus strand). Cytogenetic location: 16p13.3.
Variant type: single nucleotide variant.
Coding change: c.6195C>T on transcript NM_001009944.3 (MANE Select); coding-DNA position 6195, C replaced by T.
Protein change: p.Ala2065=; no amino-acid change (alanine 2065 retained).
Molecular consequence: synonymous variant.
Genome position (GRCh38, 1-based): chr16:2,108,972, G>A on the plus strand (C>T on the coding strand, the complement: PKD1 is on the minus strand). VCF-style: chr16-2108972-G-A. GRCh37 (hg19) VCF-style: chr16-2158973-G-A.
Other names: c.6195C>T, p.Ala2065= (NM_000296.4).
Identifiers: ClinVar variation 997258 (VCV000997258.1), dbSNP rs770590637, ClinGen allele CA7831681.